The following is an entry in ClinVar:

NM_001267550.2(TTN):c.15218-2A>G

Gene: TTN (titin; minus strand). Cytogenetic location: 2q31.2.
Variant type: single nucleotide variant.
Coding change: c.15218-2A>G on transcript NM_001267550.2 (MANE Select); the canonical splice acceptor site of the intron before coding-DNA position 15218, A replaced by G.
Molecular consequence: splice acceptor variant. On other transcripts: intron variant (3).
Genome position (GRCh38, 1-based): chr2:178,734,608, T>C on the plus strand (A>G on the coding strand, the complement: TTN is on the minus strand). VCF-style: chr2-178734608-T-C. GRCh37 (hg19) VCF-style: chr2-179599335-T-C.
Other names: c.13282+3474A>G (NM_003319.4); c.13858+3474A>G (NM_133437.4); c.13657+3474A>G (NM_133432.3); c.11486-2A>G (NM_133378.4); c.14267-2A>G (NM_001256850.1).
Identifiers: ClinVar variation 580986 (VCV000580986.10), dbSNP rs1004898711, ClinGen allele CA60981489.

ClinVar aggregate classification (germline): Likely pathogenic (1 of 4 stars; one submission).

Conditions:
Dilated cardiomyopathy 1G (CMD1G). Identifiers: Orphanet 154, MedGen C1858763, MONDO:0011400, OMIM 604145.
Autosomal recessive limb-girdle muscular dystrophy type 2J (LGMDR10). Also called: Limb-girdle muscular dystrophy, type 2J; MUSCULAR DYSTROPHY, LIMB-GIRDLE, AUTOSOMAL RECESSIVE 10. Identifiers: Orphanet 140922, MedGen C1837342, MONDO:0012127, OMIM 608807.

Allele frequency attached by ClinVar (database versions not stated): gnomAD exomes below 0.00001.
gnomAD v4.1: 5 of 1,562,472 alleles (0.00032%); highest among the groups gnomAD compares: Non-Finnish European, 0.00043%; no homozygotes.

Submission:

Labcorp Genetics (formerly Invitae), Labcorp
Classification: Likely pathogenic for Dilated cardiomyopathy 1G; Autosomal recessive limb-girdle muscular dystrophy type 2J. Last evaluated: 2024-11-04. Review status: criteria provided, single submitter. Criteria: Invitae Variant Classification Sherloc (09022015). Collection method: clinical testing. Allele origin: germline.
Comment: This sequence change affects an acceptor splice site in intron 51 of the TTN gene. It is expected to disrupt RNA splicing and likely results in a truncated or disrupted TTN protein. This variant is not present in population databases (gnomAD no frequency). This variant has not been reported in the literature in individuals affected with TTN-related conditions. ClinVar contains an entry for this variant (Variation ID: 580986). Algorithms developed to predict the effect of sequence changes on RNA splicing suggest that this variant may disrupt the consensus splice site. This variant is located in the I band of TTN (PMID: 25589632). Truncating variants in this region have been reported in individuals affected with autosomal recessive centronuclear myopathy (PMID: 23975875, internal data). Truncating variants in this region have also been identified in individuals affected with autosomal dominant dilated cardiomyopathy and/or cardio-related conditions (PMID: 27869827, 32964742, internal data). In summary, the currently available evidence indicates that the variant is pathogenic, but additional data are needed to prove that conclusively. Therefore, this variant has been classified as Likely Pathogenic.

Literature cited by the submitters: PubMed 25589632; PubMed 23975875; PubMed 27869827; PubMed 32964742.